The following is an entry in ClinVar:

NM_025082.4(CENPT):c.1321C>G (p.Pro441Ala)

Gene: CENPT (centromere protein T; minus strand). Cytogenetic location: 16q22.1.
Variant type: single nucleotide variant.
Coding change: c.1321C>G on transcript NM_025082.4 (MANE Select); coding-DNA position 1321, C replaced by G.
Protein change: p.Pro441Ala; replaces proline 441 with alanine.
Molecular consequence: missense variant.
Genome position (GRCh38, 1-based): chr16:67,828,803, G>C on the plus strand (C>G on the coding strand, the complement: CENPT is on the minus strand). VCF-style: chr16-67828803-G-C. GRCh37 (hg19) VCF-style: chr16-67862706-G-C.
Other names: short protein forms P441A.
Identifiers: ClinVar variation 3043796 (VCV003043796.2), dbSNP rs188159138, ClinGen allele CA8117576.

ClinVar aggregate classification (germline): Benign (0 of 4 stars; one submission).

Conditions:
CENPT-related disorder. Also called: CENPT-related condition.

Allele frequency attached by ClinVar (database versions not stated): ESP Exome Variant Server 0.00008; ExAC 0.00109; 1000 Genomes Project 30x 0.00234; 1000 Genomes Project 0.00240.
gnomAD v4.1: 814 of 1,596,282 alleles (0.051%); highest among the groups gnomAD compares: East Asian, 1.6%; 8 homozygotes.

Submission:

PreventionGenetics, part of Exact Sciences
Classification: Benign for CENPT-related condition. Last evaluated: 2020-01-28. Review status: no assertion criteria provided. Collection method: clinical testing. Allele origin: germline.
Comment: This variant is classified as benign based on ACMG/AMP sequence variant interpretation guidelines (Richards et al. 2015 PMID: 25741868, with internal and published modifications).